The following is an entry in ClinVar:

ClinVar aggregate classification (germline): Likely pathogenic (1 of 4 stars; one submission).

Submission:

CeGaT Center for Human Genetics Tuebingen
Classification: Likely pathogenic. Last evaluated: 2025-07-01. Review status: criteria provided, single submitter. Criteria: CeGaT Center For Human Genetics Tuebingen Variant Classification Criteria Version 2. Collection method: clinical testing. Allele origin: germline. Affected: yes. Observed: 1 variant allele.
Comment: HPDL: PVS1:Strong, PM2

NM_032756.4(HPDL):c.389_713del (p.Leu130fs)

Gene: HPDL (4-hydroxyphenylpyruvate dioxygenase like; plus strand). Cytogenetic location: 1p34.1.
Variant type: Deletion.
Coding change: c.389_713del on transcript NM_032756.4 (MANE Select); coding-DNA positions 389 to 713, 325 bases deleted.
Protein change: p.Leu130fs; shifts the reading frame from leucine 130.
Molecular consequence: frameshift variant.
Genome position (GRCh38, 1-based): chr1:45,327,537-45,327,861, 325 bases deleted. GRCh37 (hg19): chr1:45,793,209-45,793,533.
Other names: short protein forms L130fs.
Identifiers: ClinVar variation 4085088 (VCV004085088.8).